The following is an entry in ClinVar:

NM_000532.5(PCCB):c.430-13T>G

Gene: PCCB (propionyl-CoA carboxylase subunit beta; plus strand). Cytogenetic location: 3q22.3.
Variant type: single nucleotide variant.
Coding change: c.430-13T>G on transcript NM_000532.5 (MANE Select); 13 bases into the intron before coding-DNA position 430, T replaced by G.
Molecular consequence: intron variant.
Genome position (GRCh38, 1-based): chr3:136,261,939, T>G. VCF-style: chr3-136261939-T-G. GRCh37 (hg19) VCF-style: chr3-135980781-T-G.
Other names: c.490-13T>G (NM_001178014.2).
Identifiers: ClinVar variation 1980699 (VCV001980699.4), dbSNP rs1941839200, ClinGen allele CA1404287903.

ClinVar aggregate classification (germline): Uncertain significance (1 of 4 stars; one submission).

Conditions:
Propionic acidemia (PROP). Also called: GLYCINEMIA, KETOTIC; HYPERGLYCINEMIA WITH KETOACIDOSIS AND LEUKOPENIA; KETOTIC HYPERGLYCINEMIA. Identifiers: Orphanet 35, MedGen C0268579, MONDO:0011628, OMIM 606054, HP:0003571.

Allele frequency attached by ClinVar (database versions not stated): TOPMed 0.00001.
gnomAD v4.1: 1 of 1,489,666 alleles (0.000067%); highest among the groups gnomAD compares: Non-Finnish European, 0.000092%; no homozygotes.

Submission:

Labcorp Genetics (formerly Invitae), Labcorp
Classification: Uncertain significance for Propionic acidemia. Last evaluated: 2022-04-15. Review status: criteria provided, single submitter. Criteria: Invitae Variant Classification Sherloc (09022015). Collection method: clinical testing. Allele origin: germline.
Comment: In summary, the available evidence is currently insufficient to determine the role of this variant in disease. Therefore, it has been classified as a Variant of Uncertain Significance. Algorithms developed to predict the effect of sequence changes on RNA splicing suggest that this variant may create or strengthen a splice site. This variant has not been reported in the literature in individuals affected with PCCB-related conditions. This sequence change falls in intron 4 of the PCCB gene. It does not directly change the encoded amino acid sequence of the PCCB protein. This variant is not present in population databases (gnomAD no frequency).